The following is an entry in ClinVar:

ClinVar aggregate classification (germline): Uncertain significance (1 of 4 stars; one submission).

gnomAD v4.1: 3 of 1,613,458 alleles (0.00019%); highest among the groups gnomAD compares: Non-Finnish European, 0.00025%; no homozygotes.

Submission:

GeneDx
Classification: Uncertain significance. Last evaluated: 2024-04-07. Review status: criteria provided, single submitter. Criteria: GeneDx Variant Classification Process June 2021. Collection method: clinical testing. Allele origin: germline. Affected: yes.
Comment: Not observed at significant frequency in large population cohorts (gnomAD); In silico analysis indicates that this missense variant does not alter protein structure/function; Has not been previously published as pathogenic or benign to our knowledge

NM_001371928.1(AHDC1):c.3452A>G (p.Gln1151Arg)

Gene: AHDC1 (AT-hook DNA binding motif containing 1; minus strand). Cytogenetic location: 1p36.11.
Variant type: single nucleotide variant.
Coding change: c.3452A>G on transcript NM_001371928.1 (MANE Select); coding-DNA position 3452, A replaced by G.
Protein change: p.Gln1151Arg; replaces glutamine 1151 with arginine.
Molecular consequence: missense variant.
Genome position (GRCh38, 1-based): chr1:27,548,664, T>C on the plus strand (A>G on the coding strand, the complement: AHDC1 is on the minus strand). VCF-style: chr1-27548664-T-C. GRCh37 (hg19) VCF-style: chr1-27875175-T-C.
Other names: c.3452A>G, p.Gln1151Arg (NM_001029882.3); short protein forms Q1151R.
Identifiers: ClinVar variation 3372195 (VCV003372195.1).
Genomic context (GRCh38, chr1:27,548,664, plus strand): 5'-GTGCTGTCGGAGGATGACTCAGAGAAGGTCTCCGACACAGCCGTCTGCTGCTTCACCTTC[T>C]GCGGTGTGTAGTTGGAGATGTCCAGGATCACGTTGGGCTCGCTGACGTGGCAGTCAAAAC-3'
Protein context (NP_001358857.1, residues 1141-1161): VILDISNYTP[Gln1151Arg]KVKQQTAVSE